The following is an entry in ClinVar:

NM_005359.6(SMAD4):c.31A>G (p.Thr11Ala)

Gene: SMAD4 (SMAD family member 4; plus strand). Cytogenetic location: 18q21.2.
Variant type: single nucleotide variant.
Coding change: c.31A>G on transcript NM_005359.6 (MANE Select); coding-DNA position 31, A replaced by G.
Protein change: p.Thr11Ala; replaces threonine 11 with alanine.
Molecular consequence: missense variant.
Genome position (GRCh38, 1-based): chr18:51,047,077, A>G. VCF-style: chr18-51047077-A-G. GRCh37 (hg19) VCF-style: chr18-48573447-A-G.
Other names: short protein forms T11A.
Identifiers: ClinVar variation 136075 (VCV000136075.3), dbSNP rs587780791, ClinGen allele CA332845.

ClinVar aggregate classification (germline): Uncertain significance. Review status: criteria provided, single submitter (1 of 4 stars). 2 submissions from 1 submitter: Uncertain significance (1). 1 of the submissions does not count toward it. Last evaluated 2024-09-23.

Conditions:
Juvenile polyposis syndrome (JPS). Identifiers: Orphanet 2929, MedGen C0345893, MONDO:0017380, OMIM 174900.
Generalized juvenile polyposis/juvenile polyposis coli. Also called: Juvenile polyposis coli. Identifiers: Orphanet 329971, MedGen C1868081, MONDO:0008276.

Submissions (2):

Labcorp Genetics (formerly Invitae), Labcorp
Classification: Uncertain significance for Juvenile polyposis syndrome. Last evaluated: 2024-09-23. Review status: criteria provided, single submitter. Criteria: Invitae Variant Classification Sherloc (09022015). Collection method: clinical testing. Allele origin: germline.
Comment: This sequence change replaces threonine, which is neutral and polar, with alanine, which is neutral and non-polar, at codon 11 of the SMAD4 protein (p.Thr11Ala). This variant is not present in population databases (gnomAD no frequency). This variant has not been reported in the literature in individuals affected with SMAD4-related conditions. ClinVar contains an entry for this variant (Variation ID: 136075). Invitae Evidence Modeling of protein sequence and biophysical properties (such as structural, functional, and spatial information, amino acid conservation, physicochemical variation, residue mobility, and thermodynamic stability) has been performed for this missense variant. However, the output from this modeling did not meet the statistical confidence thresholds required to predict the impact of this variant on SMAD4 protein function. In summary, the available evidence is currently insufficient to determine the role of this variant in disease. Therefore, it has been classified as a Variant of Uncertain Significance.

Labcorp Genetics (formerly Invitae), Labcorp
Classification: Uncertain significance for Juvenile polyposis syndrome. Last evaluated: 2014-06-11. Review status: no assertion criteria provided. Collection method: clinical testing. Allele origin: germline. Not counted in ClinVar's aggregate classification.
Comment: The interpretation for this sequence variant was made by Invitae based on the ACMG guidelines.